The following is an entry in ClinVar:

ClinVar aggregate classification (germline): Uncertain significance. Review status: criteria provided, multiple submitters, no conflicts (2 of 4 stars). 3 submissions from 3 submitters: Uncertain significance (3). Last evaluated 2025-01-16.

Conditions:
Amyotrophic neuralgia (HNA). Also called: Hereditary Brachial Plexus Neuropathy; Neuritis with Brachial Predilection; AMYOTROPHY, HEREDITARY NEURALGIC, WITH PREDILECTION FOR BRACHIAL PLEXUS; AMYOTROPHY, HEREDITARY NEURALGIC. Identifiers: Orphanet 2901, MedGen C1834304, MONDO:0008076, OMIM 162100.

Allele frequency attached by ClinVar (database versions not stated): ExAC 0.00001; gnomAD exomes 0.00001 and 0.00002.
gnomAD v4.1: 25 of 1,613,874 alleles (0.0015%); highest among the groups gnomAD compares: Non-Finnish European, 0.0019%; no homozygotes.

Submissions (3):

Labcorp Genetics (formerly Invitae), Labcorp
Classification: Uncertain significance. Last evaluated: 2025-01-16. Review status: criteria provided, single submitter. Criteria: Invitae Variant Classification Sherloc (09022015). Collection method: clinical testing. Allele origin: germline.
Comment: This sequence change replaces arginine, which is basic and polar, with glutamine, which is neutral and polar, at codon 27 of the SEPT9 protein (p.Arg27Gln). This variant is present in population databases (rs781163314, gnomAD 0.003%). This variant has not been reported in the literature in individuals affected with SEPT9-related conditions. ClinVar contains an entry for this variant (Variation ID: 325537). Invitae Evidence Modeling of protein sequence and biophysical properties (such as structural, functional, and spatial information, amino acid conservation, physicochemical variation, residue mobility, and thermodynamic stability) indicates that this missense variant is not expected to disrupt SEPT9 protein function with a negative predictive value of 80%. In summary, the available evidence is currently insufficient to determine the role of this variant in disease. Therefore, it has been classified as a Variant of Uncertain Significance.

GeneDx
Classification: Uncertain significance. Last evaluated: 2022-09-30. Review status: criteria provided, single submitter. Criteria: GeneDx Variant Classification Process June 2021. Collection method: clinical testing. Allele origin: germline. Affected: yes.
Comment: Not observed at significant frequency in large population cohorts (gnomAD); In silico analysis supports that this missense variant does not alter protein structure/function; Has not been previously published as pathogenic or benign to our knowledge; This variant is associated with the following publications: (PMID: 27149842)

Illumina Laboratory Services, Illumina
Classification: Uncertain significance for Amyotrophy, hereditary neuralgic. Last evaluated: 2018-01-13. Review status: criteria provided, single submitter. Criteria: ICSL Variant Classification Criteria 13 December 2019. Collection method: clinical testing. Allele origin: germline.

NM_001113491.2(SEPTIN9):c.134G>A (p.Arg45Gln)

Gene: SEPTIN9 (septin 9; plus strand). Cytogenetic location: 17q25.3.
Variant type: single nucleotide variant.
Coding change: c.134G>A on transcript NM_001113491.2 (MANE Select); coding-DNA position 134, G replaced by A.
Protein change: p.Arg45Gln; replaces arginine 45 with glutamine.
Molecular consequence: missense variant. On other transcripts: 5 prime UTR variant (2).
Genome position (GRCh38, 1-based): chr17:77,402,116, G>A. VCF-style: chr17-77402116-G-A. GRCh37 (hg19) VCF-style: chr17-75398198-G-A.
Other names: c.-359G>A (NM_001113492.2, NM_001113494.1); c.113G>A, p.Arg38Gln (NM_001113493.2); c.77G>A, p.Arg26Gln (NM_001293695.2); c.80G>A, p.Arg27Gln (NM_006640.5); short protein forms R27Q, R45Q, R38Q, R26Q.
Identifiers: ClinVar variation 325537 (VCV000325537.9), dbSNP rs781163314, ClinGen allele CA8793130.
Genomic context (GRCh38, chr17:77,402,116, plus strand): 5'-CAGCCTTGAAAAGATCTTTTGAGGTCGAGGAGGTCGAGACACCCAACTCCACCCCACCCC[G>A]GAGGGTCCAGACTCCCCTACTCCGAGCCACTGTGGCCAGCTCCACCCAGAAATTCCAGGA-3'
Protein context (NP_001106963.1, residues 35-55): EVETPNSTPP[Arg45Gln]RVQTPLLRAT